The following is an entry in ClinVar:

NM_025114.4(CEP290):c.1928A>G (p.Glu643Gly)

Gene: CEP290 (centrosomal protein 290; minus strand). Cytogenetic location: 12q21.32.
Variant type: single nucleotide variant.
Coding change: c.1928A>G on transcript NM_025114.4 (MANE Select); coding-DNA position 1928, A replaced by G.
Protein change: p.Glu643Gly; replaces glutamic acid 643 with glycine.
Molecular consequence: missense variant.
Genome position (GRCh38, 1-based): chr12:88,114,544, T>C on the plus strand (A>G on the coding strand, the complement: CEP290 is on the minus strand). VCF-style: chr12-88114544-T-C. GRCh37 (hg19) VCF-style: chr12-88508321-T-C.
Other names: short protein forms E643G.
Identifiers: ClinVar variation 4991110 (VCV004991110.1).
Genomic context (GRCh38, chr12:88,114,544, plus strand): 5'-TTCTGCATTTCCTTAATTGCTTGCAATATTTCTTTCATACCTTCTTCAAGTTGCTTATTT[T>C]CTTCAACTAATTCTTTTACTGTAATTACACAGTTTTCTCATTGGATGATCAGATCTTTTT-3'
Protein context (NP_079390.3, residues 633-653): FQNKLKELVE[Glu643Gly]NKQLEEGMKE

ClinVar aggregate classification (germline): Uncertain significance (1 of 4 stars; one submission).

Conditions:
CEP290-related disorder. Also called: CEP290-related condition; CEP290-related disorders. Identifiers: MedGen CN239314.

gnomAD v4.1: 1 of 1,537,242 alleles (0.000065%); highest among the groups gnomAD compares: Non-Finnish European, 0.000088%; no homozygotes.

Submission:

PreventionGenetics, part of Exact Sciences
Classification: Uncertain significance for CEP290-related condition. Last evaluated: 2025-10-23. Review status: criteria provided, single submitter. Criteria: ACMG Guidelines, 2015. Collection method: clinical testing. Allele origin: germline.
Comment: The CEP290 c.1928A>G variant is predicted to result in the amino acid substitution p.Glu643Gly. To our knowledge, this variant has not been reported in the literature or in a large population database (gnomAD), indicating this variant is rare. At this time, the clinical significance of this variant is uncertain due to the absence of conclusive functional and genetic evidence.